The following is an entry in ClinVar:

NM_017635.5(KMT5B):c.889A>G (p.Ile297Val)

Gene: KMT5B (lysine methyltransferase 5B; minus strand). Cytogenetic location: 11q13.2.
Variant type: single nucleotide variant.
Coding change: c.889A>G on transcript NM_017635.5 (MANE Select); coding-DNA position 889, A replaced by G.
Protein change: p.Ile297Val; replaces isoleucine 297 with valine.
Molecular consequence: missense variant. On other transcripts: non-coding transcript variant (3).
Genome position (GRCh38, 1-based): chr11:68,171,103, T>C on the plus strand (A>G on the coding strand, the complement: KMT5B is on the minus strand). VCF-style: chr11-68171103-T-C. GRCh37 (hg19) VCF-style: chr11-67938570-T-C.
Other names: c.373A>G, p.Ile125Val (NM_001300907.1, NM_001369424.1, NM_001369428.1 and 5 more transcripts); c.169A>G, p.Ile57Val (NM_001300908.2); c.820A>G, p.Ile274Val (NM_001300909.2); c.889A>G, p.Ile297Val (NM_001363566.2, NM_001369426.1, NM_001369427.1 and 1 more transcripts); c.676A>G, p.Ile226Val (NM_001369425.1); short protein forms I125V, I226V, I274V, I297V, I57V.
Identifiers: ClinVar variation 1690943 (VCV001690943.2), dbSNP rs2153051925, ClinGen allele CA381604919.
Genomic context (GRCh38, chr11:68,171,103, plus strand): 5'-CATTATTTTCTCCAAAGAACCCATCTCCATAATAACAAGAAATTTCTTCTCCAGGTTCAA[T>C]GTCTCTTAGAGCCTTCACACATGCTGTATCTCGACCAGTTGACACAAACTAAAATAAAAG-3'
Protein context (NP_060105.3, residues 287-307): DTACVKALRD[Ile297Val]EPGEEISCYY

ClinVar aggregate classification (germline): Uncertain significance (1 of 4 stars; one submission).

Submission:

Laboratorio de Genetica e Diagnostico Molecular, Hospital Israelita Albert Einstein
Classification: Uncertain significance. Last evaluated: 2020-10-05. Review status: criteria provided, single submitter. Criteria: ACMG Guidelines, 2015. Collection method: clinical testing. Allele origin: germline. Affected: yes.
Comment: ACMG classification criteria: PM2, PP2